The following is an entry in ClinVar:

ClinVar aggregate classification (germline): Uncertain significance (1 of 4 stars; one submission).

Conditions:
Generalized epilepsy with febrile seizures plus, type 9 (GEFSP9). Also called: GEFS+, TYPE 9. Identifiers: Orphanet 36387, MedGen C4015395, MONDO:0014517, OMIM 616172.

Allele frequency attached by ClinVar (database versions not stated): gnomAD 0.00002; TOPMed 0.00002; ExAC 0.00004; gnomAD exomes 0.00004 and 0.00005; ESP Exome Variant Server 0.00008.
gnomAD v4.1: 71 of 1,613,526 alleles (0.0044%); highest among the groups gnomAD compares: Non-Finnish European, 0.0058%; no homozygotes.

Submission:

Labcorp Genetics (formerly Invitae), Labcorp
Classification: Uncertain significance for Generalized epilepsy with febrile seizures plus, type 9. Last evaluated: 2026-01-28. Review status: criteria provided, single submitter. Criteria: Invitae Variant Classification Sherloc (09022015). Collection method: clinical testing. Allele origin: germline.
Comment: This sequence change falls in intron 9 of the STX1B gene. It does not directly change the encoded amino acid sequence of the STX1B protein. It affects a nucleotide within the consensus splice site. This variant is present in population databases (rs374256908, gnomAD 0.008%). This variant has not been reported in the literature in individuals affected with STX1B-related conditions. ClinVar contains an entry for this variant (Variation ID: 1006178). Variants that disrupt the consensus splice site are a relatively common cause of aberrant splicing (PMID: 17576681, 9536098). Algorithms developed to predict the effect of sequence changes on RNA splicing suggest that this variant is not likely to affect RNA splicing. In summary, the available evidence is currently insufficient to determine the role of this variant in disease. Therefore, it has been classified as a Variant of Uncertain Significance.

Literature cited by the submitters: PubMed 17576681; PubMed 9536098.

NM_052874.5(STX1B):c.787-3C>A

Gene: STX1B (syntaxin 1B; minus strand). Cytogenetic location: 16p11.2.
Variant type: single nucleotide variant.
Coding change: c.787-3C>A on transcript NM_052874.5 (MANE Select); 3 bases into the intron before coding-DNA position 787, C replaced by A.
Molecular consequence: intron variant.
Genome position (GRCh38, 1-based): chr16:30,992,904, G>T on the plus strand (C>A on the coding strand, the complement: STX1B is on the minus strand). VCF-style: chr16-30992904-G-T. GRCh37 (hg19) VCF-style: chr16-31004225-G-T.
Identifiers: ClinVar variation 1006178 (VCV001006178.8), dbSNP rs374256908, ClinGen allele CA8018233.